The following is an entry in ClinVar:

ClinVar aggregate classification (germline): Pathogenic (1 of 4 stars; one submission).

Conditions:
Glycogen storage disease type III (GSD3). Also called: Cori disease; FORBES DISEASE. Identifiers: Orphanet 366, MedGen C0017922, MONDO:0009291, OMIM 232400.

Submission:

Labcorp Genetics (formerly Invitae), Labcorp
Classification: Pathogenic for Glycogen storage disease type III. Last evaluated: 2022-09-26. Review status: criteria provided, single submitter. Criteria: Invitae Variant Classification Sherloc (09022015). Collection method: clinical testing. Allele origin: germline.
Comment: For these reasons, this variant has been classified as Pathogenic. Algorithms developed to predict the effect of sequence changes on RNA splicing suggest that this variant may disrupt the consensus splice site. This variant has not been reported in the literature in individuals affected with AGL-related conditions. This variant is present in population databases (rs745559323, gnomAD 0.002%). This sequence change creates a premature translational stop signal (p.Val419Cysfs*3) in the AGL gene. It is expected to result in an absent or disrupted protein product. Loss-of-function variants in AGL are known to be pathogenic (PMID: 19299494).

Literature cited by the submitters: PubMed 19299494.

NM_000642.3(AGL):c.1253dup (p.Val419fs)

Gene: AGL (amylo-alpha-1,6-glucosidase and 4-alpha-glucanotransferase; plus strand). Cytogenetic location: 1p21.2.
Variant type: Duplication.
Coding change: c.1253dup on transcript NM_000642.3 (MANE Select); coding-DNA position 1253, one base duplicated (C; older notation c.1253dupC).
Protein change: p.Val419fs; shifts the reading frame from valine 419.
Molecular consequence: frameshift variant.
Genome position (GRCh38, 1-based): chr1:99,875,425, C duplicated; the last of 2 consecutive C bases (chr1:99,875,424-99,875,425); duplicating either gives the same sequence. VCF-style (leftmost placement, unchanged base first): chr1-99875423-A-AC. GRCh37 (hg19) VCF-style: chr1-100340979-A-AC.
Other names: c.1253dup, p.Val419Cysfs (NM_000028.3, NM_000643.3, NM_000644.3 and 2 more transcripts); c.1049dup, p.Val351Cysfs (NM_001425329.1, NM_001425328.1); c.875dup, p.Val293Cysfs (NM_001425332.1); c.1205dup, p.Val403Cysfs (NM_000646.3); short protein forms V403fs, V419fs.
Identifiers: ClinVar variation 2070447 (VCV002070447.4), dbSNP rs745559323, ClinGen allele CA966440.
Genomic context (GRCh38, chr1:99,875,423, plus strand): 5'-TAATTGCCTTTTGGGAAATGTGTTTTATGAACGACTGGCTGGCCATGGTCCAAAACTAGG[A>AC]CCTGTCACTAGAAAGCATCCTTTAGTTACCAGGTGTTGCATTTTTGTTTTTTTTCTTATT-3'